The following is an entry in ClinVar:

NM_000083.3(CLCN1):c.1723C>A (p.Pro575Thr)

Gene: CLCN1 (chloride voltage-gated channel 1; plus strand). Cytogenetic location: 7q34.
Variant type: single nucleotide variant.
Coding change: c.1723C>A on transcript NM_000083.3 (MANE Select); coding-DNA position 1723, C replaced by A.
Protein change: p.Pro575Thr; replaces proline 575 with threonine.
Molecular consequence: missense variant. On other transcripts: non-coding transcript variant (1).
Genome position (GRCh38, 1-based): chr7:143,342,069, C>A. VCF-style: chr7-143342069-C-A. GRCh37 (hg19) VCF-style: chr7-143039162-C-A.
Other names: short protein forms P575T.
Identifiers: ClinVar variation 5020160 (VCV005020160.1).

ClinVar aggregate classification (germline): Uncertain significance (1 of 4 stars; one submission).

gnomAD v4.1: 1 of 1,614,166 alleles (0.000062%); highest among the groups gnomAD compares: Non-Finnish European, 0.000085%; no homozygotes.

Submission:

Dasa
Classification: Uncertain significance. Last evaluated: 2026-07-22. Review status: criteria provided, single submitter. Criteria: DASA Assertion Criteria. Collection method: clinical testing. Allele origin: germline.
Comment: NM_000083.3(CLCN1):c.1723C>A (p.Pro575Thr) is a missense variant that results in the substitution of proline with threonine. This variant is absent from population databases. Computational prediction algorithms are consistent with a deleterious effect. The currently available literature and clinical evidence are not sufficient to establish a definitive association between this variant and the reported condition. Therefore, this variant is classified as a variant of uncertain significance.